The following is an entry in ClinVar:

NM_003924.4(PHOX2B):c.136C>T (p.Pro46Ser)

Genes: PHOX2B (paired like homeobox 2B; minus strand), PHOX2B-AS1 (PHOX2B antisense RNA 1; plus strand). Cytogenetic location: 4p13.
Variant type: single nucleotide variant.
Coding change: c.136C>T on transcript NM_003924.4 (MANE Select); coding-DNA position 136, C replaced by T.
Protein change: p.Pro46Ser; replaces proline 46 with serine.
Molecular consequence: missense variant.
Genome position (GRCh38, 1-based): chr4:41,748,475, G>A on the plus strand (C>T on the coding strand, the complement: PHOX2B is on the minus strand). VCF-style: chr4-41748475-G-A. GRCh37 (hg19) VCF-style: chr4-41750492-G-A.
Other names: short protein forms P46S.
Identifiers: ClinVar variation 535769 (VCV000535769.10), dbSNP rs1553898221, ClinGen allele CA356741001.
Genomic context (GRCh38, chr4:41,748,475, plus strand): 5'-TGCAGGATCCCGGCGTGAGGGAAGGGCAGCCGGACGTGGCCCCAAAAGTGGTCCTTATCG[G>A]GTTATACTGGAAGCCACTGGCCTGGCTGCAGGAACTGAAGTCAGCATAGGCTGAAGCCAG-3'
Protein context (NP_003915.2, residues 36-56): CSQASGFQYN[Pro46Ser]IRTTFGATSG

ClinVar aggregate classification (germline): Uncertain significance (1 of 4 stars; one submission).

Conditions:
Haddad syndrome (OHD). Also called: Ondine-Hirschsprung disease. Identifiers: Orphanet 99803, MedGen C1859049, MONDO:0020493.

Submission:

Labcorp Genetics (formerly Invitae), Labcorp
Classification: Uncertain significance for Haddad syndrome. Last evaluated: 2017-09-06. Review status: criteria provided, single submitter. Criteria: Invitae Variant Classification Sherloc (09022015). Collection method: clinical testing. Allele origin: germline.
Comment: In summary, the available evidence is currently insufficient to determine the role of this variant in disease. Therefore, it has been classified as a Variant of Uncertain Significance. Algorithms developed to predict the effect of missense changes on protein structure and function (SIFT, PolyPhen-2, Align-GVGD) all suggest that this variant is likely to be disruptive, but these predictions have not been confirmed by published functional studies and their clinical significance is uncertain. This variant has not been reported in the literature in individuals with PHOX2B-related disease. This variant is not present in population databases (ExAC no frequency). This sequence change replaces proline with serine at codon 46 of the PHOX2B protein (p.Pro46Ser). The proline residue is highly conserved and there is a moderate physicochemical difference between proline and serine.